The following is an entry in ClinVar:

ClinVar aggregate classification (germline): Pathogenic. Review status: criteria provided, single submitter (1 of 4 stars). 2 submissions from 2 submitters: Pathogenic (1). 1 of the submissions does not count toward it. Last evaluated 2018-12-09.

Conditions:
Beckwith-Wiedemann syndrome (BWS). Also called: Exomphalos macroglossia gigantism syndrome; EMG SYNDROME. Identifiers: Orphanet 116, MedGen C0004903, MONDO:0007534, OMIM 130650.

Submissions (2):

Labcorp Genetics (formerly Invitae), Labcorp
Classification: Pathogenic for Beckwith-Wiedemann syndrome. Last evaluated: 2018-12-09. Review status: criteria provided, single submitter. Criteria: Invitae Variant Classification Sherloc (09022015). Collection method: clinical testing. Allele origin: germline.
Comment: Loss-of-function variants in CDKN1C are known to be pathogenic (PMID: 20503313). For these reasons, this variant has been classified as Pathogenic. This variant has been reported in the literature in an individual affected with Beckwith–Wiedemann syndrome (PMID: 26077438). ClinVar contains an entry for this variant (Variation ID: 192353). While this variant is not present in population databases, the frequency information is unreliable, as metrics indicate poor data quality at this position in the ExAC database. This sequence change creates a premature translational stop signal (p.Ala213Glyfs*36) in the CDKN1C gene. It is expected to result in an absent or disrupted protein product.

Centre de Recherche Saint Antoine,  Université Pierre et Marie Curie
Classification: Pathogenic for Beckwith-Wiedemann syndrome. Review status: no assertion criteria provided. Collection method: not provided. Allele origin: unknown. Not counted in ClinVar's aggregate classification.
ClinVar note: Converted during submission from pathogenic to Pathogenic.

Literature cited by the submitters: PubMed 20503313 (cited by Labcorp Genetics (formerly Invitae), Labcorp); PubMed 26077438 (cited by Labcorp Genetics (formerly Invitae), Labcorp).

NM_001122630.2(CDKN1C):c.578_602dup (p.Ala202fs)

Gene: CDKN1C (cyclin dependent kinase inhibitor 1C; minus strand). Cytogenetic location: 11p15.4.
Variant type: Indel.
Coding change: c.578_602dup on transcript NM_001122630.2 (MANE Select); coding-DNA positions 578 to 602, 25 bases duplicated (CGGCCCCGGCCCCGGCCCCCGCCCC).
Protein change: p.Ala202fs; shifts the reading frame from alanine 202.
Molecular consequence: frameshift variant. On other transcripts: intron variant (1).
Genome position (GRCh38, 1-based): chr11:2,884,855-2,884,879, GGGGCGGGGGCCGGGGCCGGGGCCG duplicated on the plus strand (CGGCCCCGGCCCCGGCCCCCGCCCC on the coding strand, the reverse complement: CDKN1C is on the minus strand); duplicating any 25 consecutive bases within chr11:2,884,855-2,884,882 gives the same sequence; the c. name uses the placement nearest the transcript's 3' end. VCF-style (leftmost placement, unchanged base first): chr11-2884854-C-CGGGGCGGGGGCCGGGGCCGGGGCCG. GRCh37 (hg19) VCF-style: chr11-2906084-C-CGGGGCGGGGGCCGGGGCCGGGGCCG.
Other names: c.578_602dup, p.Ala202fs (NM_001122631.2); c.611_635dup, p.Ala213fs (NM_001362474.2, LRG_533t1); c.255+323_255+347dup (NM_001362475.2); short protein forms A202fs, A213fs.
Identifiers: ClinVar variation 192353 (VCV000192353.9), dbSNP rs1554937847, ClinGen allele CA274878.